The following is an entry in ClinVar:

NM_002471.4(MYH6):c.3469G>T (p.Gly1157Trp)

Gene: MYH6 (myosin heavy chain 6; minus strand). Cytogenetic location: 14q11.2.
Variant type: single nucleotide variant.
Coding change: c.3469G>T on transcript NM_002471.4 (MANE Select); coding-DNA position 3469, G replaced by T.
Protein change: p.Gly1157Trp; replaces glycine 1157 with tryptophan.
Molecular consequence: missense variant.
Genome position (GRCh38, 1-based): chr14:23,390,320, C>A on the plus strand (G>T on the coding strand, the complement: MYH6 is on the minus strand). VCF-style: chr14-23390320-C-A. GRCh37 (hg19) VCF-style: chr14-23859529-C-A.
Other names: short protein forms G1157W.
Identifiers: ClinVar variation 2452910 (VCV002452910.2), dbSNP rs755974106, ClinGen allele CA389006271.

ClinVar aggregate classification (germline): Uncertain significance (1 of 4 stars; one submission).

Conditions:
Cardiovascular phenotype. Identifiers: MedGen CN230736.

Submission:

Ambry Genetics
Classification: Uncertain significance for Cardiovascular phenotype. Last evaluated: 2022-11-27. Review status: criteria provided, single submitter. Criteria: Ambry Variant Classification Scheme 2023. Collection method: clinical testing. Allele origin: germline.
Comment: The p.G1157W variant (also known as c.3469G>T), located in coding exon 24 of the MYH6 gene, results from a G to T substitution at nucleotide position 3469. The glycine at codon 1157 is replaced by tryptophan, an amino acid with highly dissimilar properties. This amino acid position is conserved. In addition, this alteration is predicted to be deleterious by in silico analysis. Since supporting evidence is limited at this time, the clinical significance of this alteration remains unclear.